The following is an entry in ClinVar:

NM_002769.5(PRSS1):c.175G>A (p.Val59Ile)

Genes: PRSS1 (serine protease 1; plus strand), TRB (T cell receptor beta locus; plus strand). Cytogenetic location: 7q34.
Variant type: single nucleotide variant.
Coding change: c.175G>A on transcript NM_002769.5 (MANE Select); coding-DNA position 175, G replaced by A.
Protein change: p.Val59Ile; replaces valine 59 with isoleucine.
Molecular consequence: missense variant. On other transcripts: non-coding transcript variant (4).
Genome position (GRCh38, 1-based): chr7:142,750,689, G>A. VCF-style: chr7-142750689-G-A. GRCh37 (hg19) VCF-style: chr7-142458540-G-A.
Other names: short protein forms V59I.
Identifiers: ClinVar variation 1779556 (VCV001779556.3), dbSNP rs1280472573, ClinGen allele CA369607510.

ClinVar aggregate classification (germline): Uncertain significance (1 of 4 stars; one submission).

Conditions:
Hereditary pancreatitis (PCTT). Also called: Hereditary chronic pancreatitis; PRSS1-Related Hereditary Pancreatitis. Identifiers: Orphanet 676, MedGen C0238339, MONDO:0008185, OMIM 167800.

Submission:

Ambry Genetics
Classification: Uncertain significance for Hereditary pancreatitis. Last evaluated: 2024-10-29. Review status: criteria provided, single submitter. Criteria: Ambry Variant Classification Scheme 2023. Collection method: clinical testing. Allele origin: germline.
Comment: The p.V59I variant (also known as c.175G>A), located in coding exon 2 of the PRSS1 gene, results from a G to A substitution at nucleotide position 175. The valine at codon 59 is replaced by isoleucine, an amino acid with highly similar properties. This amino acid position is well conserved in available vertebrate species. In addition, the in silico prediction for this alteration is inconclusive. Based on the available evidence, the clinical significance of this variant remains unclear.